The following is an entry in ClinVar:

ClinVar aggregate classification (germline): Uncertain significance (1 of 4 stars; one submission).

Conditions:
Hereditary breast ovarian cancer syndrome. Also called: Hereditary breast and/or ovarian cancer syndrome; BRCA1- and BRCA2-Associated Hereditary Breast and Ovarian Cancer; Hereditary breast and ovarian cancer syndrome; Hereditary breast and ovarian cancer; Hereditary breast and ovarian cancer syndrome (HBOC); Breast and ovarian cancer. Identifiers: Orphanet 145, MedGen C0677776, MeSH D061325, MONDO:0003582. Disease mechanism: loss of function.

Submissions (2):

Labcorp Genetics (formerly Invitae), Labcorp
Classification: Uncertain significance for Hereditary breast ovarian cancer syndrome. Last evaluated: 2023-11-28. Review status: criteria provided, single submitter. Criteria: Invitae Variant Classification Sherloc (09022015). Collection method: clinical testing. Allele origin: germline.
Comment: This sequence change replaces leucine, which is neutral and non-polar, with phenylalanine, which is neutral and non-polar, at codon 1639 of the BRCA1 protein (p.Leu1639Phe). This variant is not present in population databases (gnomAD no frequency). This variant has not been reported in the literature in individuals affected with BRCA1-related conditions. ClinVar contains an entry for this variant (Variation ID: 865415). Advanced modeling performed at Invitae incorporating data from internal and/or published experimental studies (PMID: 30209399) indicates that this missense variant is not expected to disrupt BRCA1 function with a negative predictive value of 95%. In summary, the available evidence is currently insufficient to determine the role of this variant in disease. Therefore, it has been classified as a Variant of Uncertain Significance.

Brotman Baty Institute, University of Washington
No classification provided (evidence only). Condition: Breast-ovarian cancer, familial 1. Review status: no classification provided. Collection method: in vitro. Allele origin: not applicable. Functional consequence: functionally_normal. Not counted in ClinVar's aggregate classification.
ClinVar note: "not provided" was previously submitted as the classification for the variant. However, the classification appeared to be based only on an observation of functional data so it was converted to no classification on 2025-07-30.

Literature cited by the submitters: PubMed 30209399 (cited by Labcorp Genetics (formerly Invitae), Labcorp).

NM_007294.4(BRCA1):c.4917G>T (p.Leu1639Phe)

Gene: BRCA1 (BRCA1 DNA repair associated; minus strand). Cytogenetic location: 17q21.31.
Variant type: single nucleotide variant.
Coding change: c.4917G>T on transcript NM_007294.4 (MANE Select); coding-DNA position 4917, G replaced by T.
Protein change: p.Leu1639Phe; replaces leucine 1639 with phenylalanine.
Molecular consequence: missense variant. On other transcripts: non-coding transcript variant (1).
Genome position (GRCh38, 1-based): chr17:43,070,997, C>A on the plus strand (G>T on the coding strand, the complement: BRCA1 is on the minus strand). VCF-style: chr17-43070997-C-A. GRCh37 (hg19) VCF-style: chr17-41223014-C-A.
Other names: c.4704G>T, p.Leu1568Phe (NM_001407571.1, NM_001407902.1, NM_001407904.1 and 12 more transcripts); c.4983G>T, p.Leu1661Phe (NM_001407581.1, NM_001407582.1); c.4980G>T, p.Leu1660Phe (NM_001407583.1, NM_001407585.1, NM_001407587.1 and 1 more transcripts); c.4977G>T, p.Leu1659Phe (NM_001407590.1, NM_001407591.1); c.4917G>T, p.Leu1639Phe (NM_001407593.1, NM_001407594.1, NM_001407596.1 and 8 more transcripts); c.4914G>T, p.Leu1638Phe (NM_001407610.1, NM_001407611.1, NM_001407612.1 and 17 more transcripts); c.4911G>T, p.Leu1637Phe (NM_001407630.1, NM_001407631.1, NM_001407632.1 and 14 more transcripts); c.4839G>T, p.Leu1613Phe (NM_001407653.1, NM_001407654.1, NM_001407655.1); and 70 more; short protein forms L1639F, L1660F, L1592F, L535F, L1485F, L1511F, L1551F, L1567F.
Identifiers: ClinVar variation 865415 (VCV000865415.6), dbSNP rs1060504558, ClinGen allele CA10591687.